The following is an entry in ClinVar:

NM_001035.3(RYR2):c.13101G>T (p.Lys4367Asn)

Genes: RYR2 (ryanodine receptor 2; plus strand), LOC126806068 (BRD4-independent group 4 enhancer GRCh37_chr1:237947411-237948610; plus strand). Cytogenetic location: 1q43.
Variant type: single nucleotide variant.
Coding change: c.13101G>T on transcript NM_001035.3 (MANE Select); coding-DNA position 13101, G replaced by T.
Protein change: p.Lys4367Asn; replaces lysine 4367 with asparagine.
Molecular consequence: missense variant.
Genome position (GRCh38, 1-based): chr1:237,784,813, G>T. VCF-style: chr1-237784813-G-T. GRCh37 (hg19) VCF-style: chr1-237948113-G-T.
Other names: short protein forms K4367N.
Identifiers: ClinVar variation 2774401 (VCV002774401.2), dbSNP rs2527799411, ClinGen allele CA345415288.
Genomic context (GRCh38, chr1:237,784,813, plus strand): 5'-GGAGGGAGAGAGGAAACCCCTGGAAGCCGCCCTGCCCTCCGAGGATCTGACCGACTTAAA[G>T]GAGCTGACAGAGGAAAGTGACCTTCTTTCGGACATCTTTGGCCTGGATCTGAAGAGAGAA-3'
Protein context (NP_001026.2, residues 4357-4377): ALPSEDLTDL[Lys4367Asn]ELTEESDLLS

ClinVar aggregate classification (germline): Uncertain significance (1 of 4 stars; one submission).

Conditions:
Cardiomyopathy (CMYO). Also called: Cardiomyopathies. Identifiers: Orphanet 167848, MedGen C0878544, MONDO:0004994, HP:0001638. Inheritance: Various modes of inheritance.

Submission:

Color Diagnostics, LLC DBA Color Health
Classification: Uncertain significance for Cardiomyopathy. Last evaluated: 2023-01-30. Review status: criteria provided, single submitter. Criteria: ACMG Guidelines, 2015. Collection method: clinical testing. Allele origin: germline.
Comment: This missense variant replaces lysine with asparagine at codon 4367 of the RYR2 protein. Computational prediction suggests that this variant may not impact protein structure and function (internally defined REVEL score threshold <= 0.5, PMID: 27666373). To our knowledge, functional studies have not been reported for this variant. This variant has not been reported in individuals affected with RYR2-related disorders in the literature. This variant has not been identified in the general population by the Genome Aggregation Database (gnomAD). The available evidence is insufficient to determine the role of this variant in disease conclusively. Therefore, this variant is classified as a Variant of Uncertain Significance.